The following is an entry in ClinVar:

NM_001457.4(FLNB):c.6566G>T (p.Gly2189Val)

Gene: FLNB (filamin B; plus strand). Cytogenetic location: 3p14.3.
Variant type: single nucleotide variant.
Coding change: c.6566G>T on transcript NM_001457.4 (MANE Select); coding-DNA position 6566, G replaced by T.
Protein change: p.Gly2189Val; replaces glycine 2189 with valine.
Molecular consequence: missense variant.
Genome position (GRCh38, 1-based): chr3:58,153,573, G>T. VCF-style: chr3-58153573-G-T. GRCh37 (hg19) VCF-style: chr3-58139300-G-T.
Other names: c.6659G>T, p.Gly2220Val (NM_001164317.2); c.6533G>T, p.Gly2178Val (NM_001164318.2); c.6494G>T, p.Gly2165Val (NM_001164319.2); short protein forms G2165V, G2178V, G2189V, G2220V.
Identifiers: ClinVar variation 4848239 (VCV004848239.1).

ClinVar aggregate classification (germline): Uncertain significance (1 of 4 stars; one submission).

Submission:

Women's Health and Genetics/Laboratory Corporation of America, LabCorp
Classification: Uncertain significance. Last evaluated: 2026-02-18. Review status: criteria provided, single submitter. Criteria: LabCorp Variant Classification Summary - May 2015. Collection method: clinical testing. Allele origin: germline.
Comment: Variant summary: FLNB c.6566G>T (p.Gly2189Val) results in a non-conservative amino acid change in the encoded protein sequence. Algorithms developed to predict the effect of missense changes on protein structure and function are either unavailable or do not agree on the potential impact of this missense change. The variant was absent in 251028 control chromosomes. The available data on variant occurrences in the general population are insufficient to allow any conclusion about variant significance. To our knowledge, no occurrence of c.6566G>T in individuals affected with FLNB-related conditions and no experimental evidence demonstrating its impact on protein function have been reported. No submitters have cited clinical-significance assessments for this variant to ClinVar. Based on the evidence outlined above, the variant was classified as uncertain significance.